The following is an entry in ClinVar:

NM_000135.4(FANCA):c.3349-1G>C

Gene: FANCA (FA complementation group A; minus strand). Cytogenetic location: 16q24.3.
Variant type: single nucleotide variant.
Coding change: c.3349-1G>C on transcript NM_000135.4 (MANE Select); the canonical splice acceptor site of the intron before coding-DNA position 3349, G replaced by C.
Molecular consequence: splice acceptor variant.
Genome position (GRCh38, 1-based): chr16:89,746,891, C>G on the plus strand (G>C on the coding strand, the complement: FANCA is on the minus strand). VCF-style: chr16-89746891-C-G. GRCh37 (hg19) VCF-style: chr16-89813299-C-G.
Other names: c.3349-1G>C (NM_001286167.3).
Identifiers: ClinVar variation 2112239 (VCV002112239.4), dbSNP rs769862233, ClinGen allele CA397486168.

ClinVar aggregate classification (germline): Pathogenic (1 of 4 stars; one submission).

Conditions:
Fanconi anemia (FA). Also called: Fanconi's anemia. Identifiers: Orphanet 84, MedGen C0015625, MeSH D005199, MONDO:0019391.

Submission:

Labcorp Genetics (formerly Invitae), Labcorp
Classification: Pathogenic for Fanconi anemia. Last evaluated: 2021-12-08. Review status: criteria provided, single submitter. Criteria: Invitae Variant Classification Sherloc (09022015). Collection method: clinical testing. Allele origin: germline.
Comment: For these reasons, this variant has been classified as Pathogenic. This variant disrupts a region of the FANCA protein in which other variant(s) (p.Arg1117Gly) have been determined to be pathogenic (PMID: 9371798, 10373536, 22778927, 24349332). This suggests that this is a clinically significant region of the protein, and that variants that disrupt it are likely to be disease-causing. Studies have shown that disruption of this splice site results in skipping of exon 34, but is expected to preserve the integrity of the reading-frame (PMID: 24989076). Disruption of this splice site has been observed in individual(s) with Fanconi anemia (PMID: 24989076). It has also been observed to segregate with disease in related individuals. This variant is not present in population databases (gnomAD no frequency). This sequence change affects an acceptor splice site in intron 33 of the FANCA gene. RNA analysis indicates that disruption of this splice site induces altered splicing and likely results in a shortened protein product.

Literature cited by the submitters: PubMed 9371798; PubMed 10373536; PubMed 22778927; PubMed 24349332; PubMed 24989076.